The following is an entry in ClinVar:

ClinVar aggregate classification (germline): Uncertain significance (1 of 4 stars; one submission).

Allele frequency attached by ClinVar (database versions not stated): gnomAD exomes below 0.00001.
gnomAD v4.1: 1 of 1,613,684 alleles (0.000062%); highest among the groups gnomAD compares: Non-Finnish European, 0.000085%; no homozygotes.

Submission:

CeGaT Center for Human Genetics Tuebingen
Classification: Uncertain significance. Last evaluated: 2023-01-01. Review status: criteria provided, single submitter. Criteria: CeGaT Center For Human Genetics Tuebingen Variant Classification Criteria Version 2. Collection method: clinical testing. Allele origin: germline. Affected: yes. Observed: 1 variant allele.
Comment: LAMA2: PM2, BP4

NM_000426.4(LAMA2):c.8076-3T>C

Gene: LAMA2 (laminin subunit alpha 2; plus strand). Cytogenetic location: 6q22.33.
Variant type: single nucleotide variant.
Coding change: c.8076-3T>C on transcript NM_000426.4 (MANE Select); 3 bases into the intron before coding-DNA position 8076, T replaced by C.
Molecular consequence: intron variant.
Genome position (GRCh38, 1-based): chr6:129,492,312, T>C. VCF-style: chr6-129492312-T-C. GRCh37 (hg19) VCF-style: chr6-129813457-T-C.
Other names: c.8064-3T>C (NM_001079823.2).
Identifiers: ClinVar variation 2499022 (VCV002499022.28), dbSNP rs2533505865, ClinGen allele CA2580074995.